The following is an entry in ClinVar:

ClinVar aggregate classification (germline): other (0 of 4 stars; one submission).

Conditions:
Familial colorectal cancer. Identifiers: MedGen CN280943, MONDO:0023113. Disease mechanism: loss of function.

Allele frequency attached by ClinVar (database versions not stated): TOPMed below 0.00001; gnomAD 0.00001.
gnomAD v4.1: 1 of 151,984 alleles (0.00066%); highest among the groups gnomAD compares: Non-Finnish European, 0.0015%; no homozygotes.

Submission:

Systems Biology Platform Zhejiang California International NanoSystems Institute
Classification: other for Familial colorectal cancer. Review status: no assertion criteria provided. Collection method: not provided. Allele origin: unknown.
ClinVar note: Converted during submission from cancer to other.

NM_000038.6(APC):c.730-165C>T

Gene: APC (APC regulator of WNT signaling pathway; plus strand). Cytogenetic location: 5q22.2.
Variant type: single nucleotide variant.
Coding change: c.730-165C>T on transcript NM_000038.6 (MANE Select); 165 bases into the intron before coding-DNA position 730, C replaced by T.
Molecular consequence: intron variant.
Genome position (GRCh38, 1-based): chr5:112,801,114, C>T. VCF-style: chr5-112801114-C-T. GRCh37 (hg19) VCF-style: chr5-112136811-C-T.
Other names: c.730-165C>T (NM_001354895.2, NM_001127510.3, NM_001354896.2 and 1 more transcripts); c.760-165C>T (NM_001354897.2, NM_001354902.2); c.676-165C>T (NM_001127511.3); c.655-165C>T (NM_001354898.2, NM_001354904.2); c.-306-165C>T (NM_001354906.2); c.646-165C>T (NM_001354899.2); c.553-165C>T (NM_001354900.2, NM_001354901.2, NM_001354905.2).
Identifiers: ClinVar variation 83039 (VCV000083039.2), dbSNP rs79566745, ClinGen allele CA013357.